The following is an entry in ClinVar:

ClinVar aggregate classification (germline): Likely pathogenic (1 of 4 stars; one submission).

Conditions:
TH-deficient dopa-responsive dystonia. Also called: Tyrosine Hydroxylase-Deficient Dopa-Responsive Dystonia; Segawa syndrome, autosomal recessive; DYT-TH. Identifiers: Orphanet 101150, MedGen C2673535, MONDO:0011551, OMIM 605407.

Submission:

Natera, Inc.
Classification: Likely pathogenic for Autosomal recessive Segawa syndrome. Last evaluated: 2024-09-29. Review status: criteria provided, single submitter. Criteria: Natera Variant Classification Schema (03/2026). Collection method: clinical testing. Allele origin: germline.
Comment: The c.1180del variant in TH is a frameshift variant predicted to shift the reading frame beginning at codon 394 and leads to a stop codon 23 codons downstream. This variant is expected to result in nonsense mediated decay, truncation, or a dysfunctional protein product. This variant is rare in the general population with a frequency below the threshold expected for the associated phenotype(s). Given the available evidence, this variant is classified as Likely Pathogenic.

NM_000360.4(TH):c.1087del (p.Ile363fs)

Gene: TH (tyrosine hydroxylase; minus strand). Cytogenetic location: 11p15.5.
Variant type: Deletion.
Coding change: c.1087del on transcript NM_000360.4 (MANE Select); coding-DNA position 1087, one base deleted (A; older notation c.1087delA).
Protein change: p.Ile363fs; shifts the reading frame from isoleucine 363.
Molecular consequence: frameshift variant.
Genome position (GRCh38, 1-based): chr11:2,166,019, T deleted on the plus strand (A on the coding strand, the reverse complement: TH is on the minus strand); the first of 3 consecutive T bases (chr11:2,166,019-2,166,021); deleting any one gives the same sequence. VCF-style (leftmost placement, unchanged base first): chr11-2166018-AT-A. GRCh37 (hg19) VCF-style: chr11-2187248-AT-A.
Other names: c.1099del, p.Ile367fs (NM_001440535.1); c.817del, p.Ile273fs (NM_001440536.1); c.805del, p.Ile269fs (NM_001440537.1); c.1180del, p.Ile394fs (NM_199292.3); c.1168del, p.Ile390fs (NM_199293.3); short protein forms I269fs, I273fs, I363fs, I367fs, I390fs, I394fs.
Identifiers: ClinVar variation 4817042 (VCV004817042.1).
Genomic context (GRCh38, chr11:2,166,018, plus strand): 5'-CCCCAAACCCACACCCCAGGCCCTGCAGGGAGGGGTCAACCCACCGTGGACAGCTTCTCA[AT>A]TTCCTCATCCGAGGCCCCCAGGGACGCCAGGCCAATGTCCTGTGGAGCAGGGAGGATGAA-3'